The following is an entry in ClinVar:

NM_007186.6(CEP250):c.4120G>A (p.Ala1374Thr)

Gene: CEP250 (centrosomal protein 250; plus strand). Cytogenetic location: 20q11.22.
Variant type: single nucleotide variant.
Coding change: c.4120G>A on transcript NM_007186.6 (MANE Select); coding-DNA position 4120, G replaced by A.
Protein change: p.Ala1374Thr; replaces alanine 1374 with threonine.
Molecular consequence: missense variant.
Genome position (GRCh38, 1-based): chr20:35,502,489, G>A. VCF-style: chr20-35502489-G-A. GRCh37 (hg19) VCF-style: chr20-34090317-G-A.
Other names: c.2224G>A, p.Ala742Thr (NM_001318219.1); short protein forms A742T, A1374T.
Identifiers: ClinVar variation 2118529 (VCV002118529.4), dbSNP rs1283506633, ClinGen allele CA408747296.
Genomic context (GRCh38, chr20:35,502,489, plus strand): 5'-ACAGCCCAGGTGGAACACCTGCAAGCAGCTGTCGTAGAAGCCAGGGCTCAGGCAAGTGCT[G>A]CTGGCATCCTGGAAGAAGACCTGAGAACGGCTCGCTCAGCACTGAAGCTGAAAAATGAGG-3'
Protein context (NP_009117.2, residues 1364-1384): VVEARAQASA[Ala1374Thr]GILEEDLRTA

ClinVar aggregate classification (germline): Uncertain significance (1 of 4 stars; one submission).

gnomAD v4.1: 1 of 1,614,210 alleles (0.000062%); highest among the groups gnomAD compares: Non-Finnish European, 0.000085%; no homozygotes.

Submission:

Labcorp Genetics (formerly Invitae), Labcorp
Classification: Uncertain significance. Last evaluated: 2023-08-24. Review status: criteria provided, single submitter. Criteria: Invitae Variant Classification Sherloc (09022015). Collection method: clinical testing. Allele origin: germline.
Comment: This variant has not been reported in the literature in individuals affected with CEP250-related conditions. This variant is not present in population databases (gnomAD no frequency). This sequence change replaces alanine, which is neutral and non-polar, with threonine, which is neutral and polar, at codon 1374 of the CEP250 protein (p.Ala1374Thr). ClinVar contains an entry for this variant (Variation ID: 2118529). Algorithms developed to predict the effect of missense changes on protein structure and function output the following: SIFT: "Not Available"; PolyPhen-2: "Benign"; Align-GVGD: "Not Available". The threonine amino acid residue is found in multiple mammalian species, which suggests that this missense change does not adversely affect protein function. In summary, the available evidence is currently insufficient to determine the role of this variant in disease. Therefore, it has been classified as a Variant of Uncertain Significance.